The following is an entry in ClinVar:

NM_004360.5(CDH1):c.587G>A (p.Gly196Glu)

Gene: CDH1 (cadherin 1; plus strand). Cytogenetic location: 16q22.1.
Variant type: single nucleotide variant.
Coding change: c.587G>A on transcript NM_004360.5 (MANE Select); coding-DNA position 587, G replaced by A.
Protein change: p.Gly196Glu; replaces glycine 196 with glutamic acid.
Molecular consequence: missense variant. On other transcripts: 5 prime UTR variant (2).
Genome position (GRCh38, 1-based): chr16:68,808,748, G>A. VCF-style: chr16-68808748-G-A. GRCh37 (hg19) VCF-style: chr16-68842651-G-A.
Other names: c.587G>A, p.Gly196Glu (NM_001317184.2); c.-1029G>A (NM_001317185.2); c.-1233G>A (NM_001317186.2); short protein forms G196E.
Identifiers: ClinVar variation 2729591 (VCV002729591.3), dbSNP rs2152130139, ClinGen allele CA396457963.

ClinVar aggregate classification (germline): Uncertain significance (1 of 4 stars; one submission).

Conditions:
Hereditary diffuse gastric adenocarcinoma (HDGC). Also called: DIFFUSE GASTRIC AND LOBULAR BREAST CANCER SYNDROME. Identifiers: Orphanet 26106, MedGen C1708349, MONDO:0007648, OMIM 137215.

Submission:

Labcorp Genetics (formerly Invitae), Labcorp
Classification: Uncertain significance for Hereditary diffuse gastric adenocarcinoma. Last evaluated: 2023-06-27. Review status: criteria provided, single submitter. Criteria: Invitae Variant Classification Sherloc (09022015). Collection method: clinical testing. Allele origin: germline.
Comment: This variant has not been reported in the literature in individuals affected with CDH1-related conditions. In summary, the available evidence is currently insufficient to determine the role of this variant in disease. Therefore, it has been classified as a Variant of Uncertain Significance. An algorithm developed to predict the effect of missense changes on protein structure and function (PolyPhen-2) suggests that this variant is likely to be disruptive. This variant is not present in population databases (gnomAD no frequency). This sequence change replaces glycine, which is neutral and non-polar, with glutamic acid, which is acidic and polar, at codon 196 of the CDH1 protein (p.Gly196Glu).